The following is an entry in ClinVar:

NM_014921.5(ADGRL1):c.2205G>A (p.Thr735=)

Genes: ADGRL1 (adhesion G protein-coupled receptor L1; minus strand), ADGRL1-AS1 (ADGRL1 antisense RNA 1; plus strand). Cytogenetic location: 19p13.12.
Variant type: single nucleotide variant.
Coding change: c.2205G>A on transcript NM_014921.5 (MANE Select); coding-DNA position 2205, G replaced by A.
Protein change: p.Thr735=; no amino-acid change (threonine 735 retained).
Molecular consequence: synonymous variant.
Genome position (GRCh38, 1-based): chr19:14,158,497, C>T on the plus strand (G>A on the coding strand, the complement: ADGRL1 is on the minus strand). VCF-style: chr19-14158497-C-T. GRCh37 (hg19) VCF-style: chr19-14269309-C-T.
Other names: c.2220G>A, p.Thr740= (NM_001008701.3).
Identifiers: ClinVar variation 4840488 (VCV004840488.1).

ClinVar aggregate classification (germline): Uncertain significance (1 of 4 stars; one submission).

Conditions:
Inborn genetic diseases. Identifiers: MedGen C0950123, MeSH D030342.

gnomAD v4.1: 2 of 1,614,078 alleles (0.00012%); highest among the groups gnomAD compares: Non-Finnish European, 0.000085%; no homozygotes.

Submission:

Ambry Genetics
Classification: Uncertain significance for Inborn genetic diseases. Last evaluated: 2026-03-06. Review status: criteria provided, single submitter. Criteria: Ambry Variant Classification Scheme 2023. Collection method: clinical testing. Allele origin: germline.
Comment: The c.2220G>A (p.T740T) alteration is located in exon 13 (coding exon 12) of the ADGRL1 gene. This alteration consists of a G to A substitution at nucleotide position 2220. This nucleotide substitution does not change the amino acid at codon 740. Based on data from gnomAD, the A allele has an overall frequency of <0.001% (1/251306) total alleles studied. The highest observed frequency was <0.001% of Ashkenazi Jewish alleles. This nucleotide position is not well conserved in available vertebrate species. In silico splice site analysis predicts that this alteration will result in the creation or strengthening of a novel splice acceptor site. Based on insufficient or conflicting evidence, the clinical significance of this alteration remains unclear.